The following is an entry in ClinVar:

ClinVar aggregate classification (germline): Benign (1 of 4 stars; one submission).

Allele frequency attached by ClinVar (database versions not stated): 1000 Genomes Project 30x 0.53670; 1000 Genomes Project 0.53894; TOPMed 0.55678; gnomAD 0.55788; ESP Exome Variant Server 0.55899; ExAC 0.58349; gnomAD exomes 0.58975.
gnomAD v4.1: 934,959 of 1,593,594 alleles (59%); highest among the groups gnomAD compares: East Asian, 66%; 275,179 homozygotes.

Submission:

Unidad de Genómica Garrahan, Hospital de Pediatría Garrahan
Classification: Benign. Last evaluated: 2023-11-12. Review status: criteria provided, single submitter. Criteria: ACMG Guidelines, 2015. Collection method: clinical testing. Allele origin: germline. Affected: no. Observed: 74 variant alleles.
Comment: This variant is classified as Benign based on local population frequency. This variant was detected in 77% of patients studied by a panel of primary immunodeficiencies. Number of patients: 74. Only high quality variants are reported.

NC_000017.11:g.45266706G>A

Genes: MAP3K14 (mitogen-activated protein kinase kinase kinase 14; minus strand), MAP3K14-AS1 (MAP3K14 antisense RNA 1; plus strand), LOC126862575 (CDK7 strongly-dependent group 2 enhancer GRCh37_chr17:43344006-43345205; plus strand). Cytogenetic location: 17q21.31.
Variant type: single nucleotide variant.
Molecular consequence: intron variant (on NM_003954.5).
Genome position: GRCh38 VCF-style: chr17-45266706-G-A. GRCh37 (hg19) VCF-style: chr17-43344073-G-A.
Other names: c.2434-25C>T (NM_003954.5).
Identifiers: ClinVar variation 2628114 (VCV002628114.2), dbSNP rs2074293, ClinGen allele CA8613877.